The following is an entry in ClinVar:

NM_022765.4(MICAL1):c.1627C>G (p.Leu543Val)

Gene: MICAL1 (microtubule associated monooxygenase, calponin and LIM domain containing 1; minus strand). Cytogenetic location: 6q21.
Variant type: single nucleotide variant.
Coding change: c.1627C>G on transcript NM_022765.4 (MANE Select); coding-DNA position 1627, C replaced by G.
Protein change: p.Leu543Val; replaces leucine 543 with valine.
Molecular consequence: missense variant.
Genome position (GRCh38, 1-based): chr6:109,448,769, G>C on the plus strand (C>G on the coding strand, the complement: MICAL1 is on the minus strand). VCF-style: chr6-109448769-G-C. GRCh37 (hg19) VCF-style: chr6-109769972-G-C.
Other names: c.1369C>G, p.Leu457Val (NM_001159291.2); c.1684C>G, p.Leu562Val (NM_001286613.2); short protein forms L457V, L543V, L562V.
Identifiers: ClinVar variation 2146539 (VCV002146539.4), dbSNP rs1775369559, ClinGen allele CA365229094.

ClinVar aggregate classification (germline): Uncertain significance (1 of 4 stars; one submission).

Allele frequency attached by ClinVar (database versions not stated): gnomAD exomes 0.00001.
gnomAD v4.1: 6 of 1,614,086 alleles (0.00037%); highest among the groups gnomAD compares: Non-Finnish European, 0.00051%; no homozygotes.

Submission:

Labcorp Genetics (formerly Invitae), Labcorp
Classification: Uncertain significance. Last evaluated: 2026-01-19. Review status: criteria provided, single submitter. Criteria: Invitae Variant Classification Sherloc (09022015). Collection method: clinical testing. Allele origin: germline.
Comment: This sequence change replaces leucine, which is neutral and non-polar, with valine, which is neutral and non-polar, at codon 562 of the MICAL1 protein (p.Leu562Val). This variant is not present in population databases (gnomAD no frequency). This variant has not been reported in the literature in individuals affected with MICAL1-related conditions. ClinVar contains an entry for this variant (Variation ID: 2146539). An algorithm developed to predict the effect of missense changes on protein structure and function (PolyPhen-2) suggests that this variant is likely to be disruptive. In summary, the available evidence is currently insufficient to determine the role of this variant in disease. Therefore, it has been classified as a Variant of Uncertain Significance.